The following is an entry in ClinVar:

NM_001012339.3(DNAJC21):c.1179A>C (p.Pro393=)

Gene: DNAJC21 (DnaJ heat shock protein family (Hsp40) member C21; plus strand). Cytogenetic location: 5p13.2.
Variant type: single nucleotide variant.
Coding change: c.1179A>C on transcript NM_001012339.3 (MANE Select); coding-DNA position 1179, A replaced by C.
Protein change: p.Pro393=; no amino-acid change (proline 393 retained).
Molecular consequence: synonymous variant.
Genome position (GRCh38, 1-based): chr5:34,945,797, A>C. VCF-style: chr5-34945797-A-C. GRCh37 (hg19) VCF-style: chr5-34945902-A-C.
Other names: c.1218A>C, p.Pro406= (NM_001348420.2); c.1179A>C, p.Pro393= (NM_194283.4).
Identifiers: ClinVar variation 4991946 (VCV004991946.1).
Genomic context (GRCh38, chr5:34,945,797, plus strand): 5'-ATTTCGATTTATATTTGCTCTTAGGCTTTCTAAAAAACAGAAGAAAAAGAAACAGAAACC[A>C]GCACAGGTATGTTAGAAAGGTTTTGTTAACATTAAATGCCAACGATAAAGTTGCAGTGCT-3'
Protein context (NP_001012339.2, residues 383-403): SKKQKKKKQK[Pro393=]AQNYDDNFNV

ClinVar aggregate classification (germline): Likely benign (1 of 4 stars; one submission).

Conditions:
DNAJC21-related disorder. Also called: DNAJC21-related condition.

Submission:

PreventionGenetics, part of Exact Sciences
Classification: Likely benign for DNAJC21-related condition. Last evaluated: 2026-06-03. Review status: criteria provided, single submitter. Criteria: ACMG Guidelines, 2015. Collection method: clinical testing. Allele origin: germline.
Comment: This variant is classified as likely benign based on ACMG/AMP sequence variant interpretation guidelines (Richards et al. 2015 PMID: 25741868, with internal and published modifications).